The following is an entry in ClinVar:

ClinVar aggregate classification (germline): Uncertain significance (1 of 4 stars; one submission).

Allele frequency attached by ClinVar (database versions not stated): ExAC 0.00014; ESP Exome Variant Server 0.00023; TOPMed 0.00025; gnomAD exomes 0.00036; gnomAD 0.00037.
gnomAD v4.1: 577 of 1,612,832 alleles (0.036%); highest among the groups gnomAD compares: Non-Finnish European, 0.046%; 1 homozygote.

Submission:

Labcorp Genetics (formerly Invitae), Labcorp
Classification: Uncertain significance. Last evaluated: 2025-10-21. Review status: criteria provided, single submitter. Criteria: Invitae Variant Classification Sherloc (09022015). Collection method: clinical testing. Allele origin: germline.
Comment: This sequence change replaces glycine, which is neutral and non-polar, with arginine, which is basic and polar, at codon 412 of the SYNPO protein (p.Gly412Arg). This variant is present in population databases (rs199673919, gnomAD 0.04%). This variant has not been reported in the literature in individuals affected with SYNPO-related conditions. ClinVar contains an entry for this variant (Variation ID: 2057800). An algorithm developed to predict the effect of missense changes on protein structure and function (PolyPhen-2) suggests that this variant is likely to be disruptive. In summary, the available evidence is currently insufficient to determine the role of this variant in disease. Therefore, it has been classified as a Variant of Uncertain Significance.

NM_007286.6(SYNPO):c.1234G>C (p.Gly412Arg)

Gene: SYNPO (synaptopodin; plus strand). Cytogenetic location: 5q33.1.
Variant type: single nucleotide variant.
Coding change: c.1234G>C on transcript NM_007286.6 (MANE Select); coding-DNA position 1234, G replaced by C.
Protein change: p.Gly412Arg; replaces glycine 412 with arginine.
Molecular consequence: missense variant.
Genome position (GRCh38, 1-based): chr5:150,649,509, G>C. VCF-style: chr5-150649509-G-C. GRCh37 (hg19) VCF-style: chr5-150029071-G-C.
Other names: c.1234G>C, p.Gly412Arg (NM_001109974.3); c.1966G>C, p.Gly656Arg (NM_001166208.2, NM_001166209.2); short protein forms G412R, G656R.
Identifiers: ClinVar variation 2057800 (VCV002057800.4), dbSNP rs199673919, ClinGen allele CA3513372.